The following is an entry in ClinVar:

ClinVar aggregate classification (germline): Likely benign. Review status: criteria provided, multiple submitters, no conflicts (2 of 4 stars). 2 submissions from 2 submitters: Likely benign (2). Last evaluated 2026-01-14.

Conditions:
Cardiac arrhythmia. Also called: Arrhythmia; Cardiac rhythm disease. Identifiers: MedGen C0003811, MONDO:0007263, HP:0011675.

Allele frequency attached by ClinVar (database versions not stated): ExAC 0.00033; gnomAD exomes 0.00044 and 0.00027; ESP Exome Variant Server 0.00023; TOPMed 0.00025; gnomAD 0.00029 and 0.00031.

Submissions (2):

Labcorp Genetics (formerly Invitae), Labcorp
Classification: Likely benign for Cardiac arrhythmia. Last evaluated: 2026-01-14. Review status: criteria provided, single submitter. Criteria: Invitae Variant Classification Sherloc (09022015). Collection method: clinical testing. Allele origin: germline.

GeneDx
Classification: Likely benign. Last evaluated: 2017-01-11. Review status: criteria provided, single submitter. Criteria: GeneDx Variant Classification (06012015). Collection method: clinical testing. Allele origin: germline. Affected: yes.
Comment: This variant is considered likely benign or benign based on one or more of the following criteria: it is a conservative change, it occurs at a poorly conserved position in the protein, it is predicted to be benign by multiple in silico algorithms, and/or has population frequency not consistent with disease.

NM_016492.5(RANGRF):c.194+13C>T

Genes: RANGRF (RAN guanine nucleotide release factor; plus strand), SLC25A35 (solute carrier family 25 member 35; minus strand). Cytogenetic location: 17p13.1.
Variant type: single nucleotide variant.
Coding change: c.194+13C>T on transcript NM_016492.5 (MANE Select); 13 bases into the intron after coding-DNA position 194, C replaced by T.
Molecular consequence: intron variant. On other transcripts: 3 prime UTR variant (2), non-coding transcript variant (2).
Genome position (GRCh38, 1-based): chr17:8,289,085, C>T. VCF-style: chr17-8289085-C-T. GRCh37 (hg19) VCF-style: chr17-8192403-C-T.
Other names: c.*398G>A (NM_001320872.2); c.*531G>A (NM_201520.3); c.*42+489G>A (NM_001320871.2); c.194+13C>T (NM_001177802.2, NM_001177801.2, NM_001330127.2).
Identifiers: ClinVar variation 392548 (VCV000392548.9), dbSNP rs373083572, ClinGen allele CA8374348.